The following is an entry in ClinVar:

NM_144573.4(NEXN):c.1894G>C (p.Glu632Gln)

Gene: NEXN (nexilin F-actin binding protein; plus strand). Cytogenetic location: 1p31.1.
Variant type: single nucleotide variant.
Coding change: c.1894G>C on transcript NM_144573.4 (MANE Select); coding-DNA position 1894, G replaced by C.
Protein change: p.Glu632Gln; replaces glutamic acid 632 with glutamine.
Molecular consequence: missense variant.
Genome position (GRCh38, 1-based): chr1:77,942,695, G>C. VCF-style: chr1-77942695-G-C. GRCh37 (hg19) VCF-style: chr1-78408380-G-C.
Other names: c.1702G>C, p.Glu568Gln (NM_001172309.2); short protein forms E632Q, E568Q.
Identifiers: ClinVar variation 626391 (VCV000626391.14), dbSNP rs370965740, ClinGen allele CA919001.

ClinVar aggregate classification (germline): Uncertain significance. Review status: criteria provided, multiple submitters, no conflicts (2 of 4 stars). 4 submissions from 4 submitters: Uncertain significance (4). Last evaluated 2025-11-03.

Conditions:
Hypertrophic cardiomyopathy 20. Identifiers: MedGen C3151267, MONDO:0013477, OMIM 613876.
Dilated cardiomyopathy 1CC (CMD1CC). Identifiers: Orphanet 154, MedGen C2751084, MONDO:0013147, OMIM 613122.
Cardiovascular phenotype. Identifiers: MedGen CN230736.
Cardiomyopathy (CMYO). Also called: Cardiomyopathies. Identifiers: Orphanet 167848, MedGen C0878544, MONDO:0004994, HP:0001638. Inheritance: Various modes of inheritance.

Allele frequency attached by ClinVar (database versions not stated): ExAC 0.00002; gnomAD 0.00003; gnomAD exomes 0.00003; TOPMed 0.00003; ESP Exome Variant Server 0.00008.
gnomAD v4.1: 58 of 1,613,628 alleles (0.0036%); highest among the groups gnomAD compares: Middle Eastern, 0.016%; no homozygotes.

Submissions (4):

Ambry Genetics
Classification: Uncertain significance for Cardiovascular phenotype. Last evaluated: 2025-11-03. Review status: criteria provided, single submitter. Criteria: Ambry Variant Classification Scheme 2023. Collection method: clinical testing. Allele origin: germline.
Comment: The p.E632Q variant (also known as c.1894G>C), located in coding exon 12 of the NEXN gene, results from a G to C substitution at nucleotide position 1894. The glutamic acid at codon 632 is replaced by glutamine, an amino acid with highly similar properties. This amino acid position is highly conserved in available vertebrate species. In addition, the in silico prediction for this alteration is inconclusive. Since supporting evidence is limited at this time, the clinical significance of this alteration remains unclear.

Blueprint Genetics
Classification: Uncertain significance. Last evaluated: 2024-05-30. Review status: criteria provided, single submitter. Criteria: ACMG Guidelines, 2015. Collection method: clinical testing. Allele origin: germline.

Labcorp Genetics (formerly Invitae), Labcorp
Classification: Uncertain significance for Dilated cardiomyopathy 1CC; Hypertrophic cardiomyopathy 20. Last evaluated: 2022-05-19. Review status: criteria provided, single submitter. Criteria: Invitae Variant Classification Sherloc (09022015). Collection method: clinical testing. Allele origin: germline.
Comment: This sequence change replaces glutamic acid, which is acidic and polar, with glutamine, which is neutral and polar, at codon 632 of the NEXN protein (p.Glu632Gln). This variant is present in population databases (rs370965740, gnomAD 0.02%). This variant has not been reported in the literature in individuals affected with NEXN-related conditions. ClinVar contains an entry for this variant (Variation ID: 626391). Algorithms developed to predict the effect of missense changes on protein structure and function are either unavailable or do not agree on the potential impact of this missense change (SIFT: "Deleterious"; PolyPhen-2: "Possibly Damaging"; Align-GVGD: "Class C0"). In summary, the available evidence is currently insufficient to determine the role of this variant in disease. Therefore, it has been classified as a Variant of Uncertain Significance.

CHEO Genetics Diagnostic Laboratory, Children's Hospital of Eastern Ontario
Classification: Uncertain significance for Cardiomyopathy. Last evaluated: 2019-10-22. Review status: criteria provided, single submitter. Criteria: ACMG Guidelines, 2015. Collection method: clinical testing. Allele origin: germline. Study: Canadian Open Genetics Repository.